The following is an entry in ClinVar:

NC_000023.10:g.(?_76890065)_(77302067_?)dup

Genes: ATP7A (ATPase copper transporting alpha; plus strand), ATRX (ATRX chromatin remodeler; minus strand), COX7B (cytochrome c oxidase subunit 7B; plus strand), MAGT1 (magnesium transporter 1; minus strand), PGAM4 (phosphoglycerate mutase family member 4; minus strand). Cytogenetic location: Xq21.1.
Variant type: Duplication.
Identifiers: ClinVar variation 3244508 (VCV003244508.1).

ClinVar aggregate classification (germline): Uncertain significance (1 of 4 stars; one submission).

Conditions:
Alpha thalassemia-X-linked intellectual disability syndrome (ATRX). Also called: ALPHA-THALASSEMIA/MENTAL RETARDATION SYNDROME, X-LINKED; ATR, NONDELETION TYPE; ATR-X syndrome; Alpha thalassemia mental retardation syndrome, nondeletion type, X-linked; XLMR hypotonic face syndrome; X-linked alpha-thalassemia-mental retardation syndrome. Identifiers: Orphanet 847, MedGen C1845055, MONDO:0010519, OMIM 301040.

Submission:

Labcorp Genetics (formerly Invitae), Labcorp
Classification: Uncertain significance for Alpha thalassemia-X-linked intellectual disability syndrome. Last evaluated: 2023-08-18. Review status: criteria provided, single submitter. Criteria: Invitae Variant Classification Sherloc (09022015). Collection method: clinical testing. Allele origin: unknown.
Comment: This variant results in a copy number gain of the genomic region encompassing exon(s) 1-17 of the ATRX gene. This region includes the initiator codon of the gene. This copy number gain extends beyond the assayed region for this gene and therefore may encompass additional genes. As the precise location of this event is unknown, it may be in tandem or it may be located elsewhere in the genome. This variant has not been reported in the literature in individuals affected with ATRX-related conditions. Experimental studies and prediction algorithms are not available or were not evaluated, and the functional significance of this variant is currently unknown. In summary, the available evidence is currently insufficient to determine the role of this variant in disease. Therefore, it has been classified as a Variant of Uncertain Significance.